The following is an entry in ClinVar:

ClinVar aggregate classification (germline): Likely benign (0 of 4 stars; one submission).

Conditions:
PLXNA3-related disorder. Also called: PLXNA3-related condition.

Allele frequency attached by ClinVar (database versions not stated): gnomAD exomes 0.00001.
gnomAD v4.1: 12 of 1,208,639 alleles (0.00099%); highest among the groups gnomAD compares: Admixed American, 0.0022%; no homozygotes.

Submission:

PreventionGenetics, part of Exact Sciences
Classification: Likely benign for PLXNA3-related condition. Last evaluated: 2023-03-06. Review status: no assertion criteria provided. Collection method: clinical testing. Allele origin: germline.
Comment: This variant is classified as likely benign based on ACMG/AMP sequence variant interpretation guidelines (Richards et al. 2015 PMID: 25741868, with internal and published modifications).

NM_017514.5(PLXNA3):c.1791C>T (p.Pro597=)

Gene: PLXNA3 (plexin A3; plus strand). Cytogenetic location: Xq28.
Variant type: single nucleotide variant.
Coding change: c.1791C>T on transcript NM_017514.5 (MANE Select); coding-DNA position 1791, C replaced by T.
Protein change: p.Pro597=; no amino-acid change (proline 597 retained).
Molecular consequence: synonymous variant.
Genome position (GRCh38, 1-based): chrX:154,464,276, C>T. VCF-style: chrX-154464276-C-T. GRCh37 (hg19) VCF-style: chrX-153692619-C-T.
Identifiers: ClinVar variation 3036964 (VCV003036964.2), dbSNP rs1557206112, ClinGen allele CA519294347.
Genomic context (GRCh38, chrX:154,464,276, plus strand): 5'-GGCGGCGGCGGAGAACGAGGCGGTCCTGCTGCCCTCCGGTGAACTGCTCTGCCCCTCACC[C>T]TCCCTCCAGGAGCTCCGAGCTCTTACCAGGGGGCATGGTCAGTGGGTTGGGGCTGCCCAG-3'
Protein context (NP_059984.3, residues 587-607): LPSGELLCPS[Pro597=]SLQELRALTR